The following is an entry in ClinVar:

NC_000012.11:g.(?_56737153)_(56750375_?)dup

Genes: STAT2 (signal transducer and activator of transcription 2; minus strand), LOC130008075 (ATAC-STARR-seq lymphoblastoid silent region 4558; plus strand). Cytogenetic location: 12q13.3.
Variant type: Duplication.
Identifiers: ClinVar variation 542355 (VCV000542355.1).

ClinVar aggregate classification (germline): Uncertain significance (1 of 4 stars; one submission).

Conditions:
Primary immunodeficiency with post-measles-mumps-rubella vaccine viral infection. Also called: Immunodeficiency 44. Identifiers: Orphanet 431166, MedGen C4225260, MONDO:0014715, OMIM 616636.

Submission:

Labcorp Genetics (formerly Invitae), Labcorp
Classification: Uncertain significance for Primary immunodeficiency with post-measles-mumps-rubella vaccine viral infection. Last evaluated: 2017-11-28. Review status: criteria provided, single submitter. Criteria: Invitae Variant Classification Sherloc (09022015). Collection method: clinical testing. Allele origin: germline.
Comment: A gross duplication of the genomic region encompassing the full coding sequence of the STAT2 gene has been identified. The boundaries of this event are unknown as the duplication extends beyond the assayed region for this gene and therefore may encompass additional genes. As the precise location of this duplication is unknown, it may be in tandem or it may be located elsewhere in the genome. This variant has not been reported in the literature in individuals with STAT2-related disease. In summary, the available evidence is currently insufficient to determine the role of this variant in disease. Therefore, it has been classified as a Variant of Uncertain Significance.